The following is an entry in ClinVar:

ClinVar aggregate classification (germline): Pathogenic/Likely pathogenic. Review status: criteria provided, multiple submitters, no conflicts (2 of 4 stars). 3 submissions from 3 submitters: Pathogenic (1); Likely pathogenic (1). 1 of the submissions does not count toward it. Last evaluated 2025-11-06.

Conditions:
Hypogonadotropic hypogonadism 1 with or without anosmia (HH1). Also called: KAL1-Related GnRH Deficiency (Kallmann Syndrome 1; Kallmann Syndrome, X-Linked); Kallmann syndrome, type 1, X-linked; DYSPLASIA OLFACTOGENITALIS OF DE MORSIER; HYPOGONADOTROPIC HYPOGONADISM 1 WITH ANOSMIA; Hypogonadotropic hypogonadism 1 with or without anosmia (Kallmann syndrome 1); HYPOGONADOTROPIC HYPOGONADISM AND ANOSMIA. Identifiers: Orphanet 478, MedGen C1563719, MONDO:0010635, OMIM 308700. Disease mechanism: loss of function.

Submissions (3):

Labcorp Genetics (formerly Invitae), Labcorp
Classification: Pathogenic for Hypogonadotropic hypogonadism 1 with or without anosmia. Last evaluated: 2025-11-06. Review status: criteria provided, single submitter. Criteria: Invitae Variant Classification Sherloc (09022015). Collection method: clinical testing. Allele origin: germline.
Comment: This sequence change affects an acceptor splice site in intron 7 of the ANOS1 gene. It is expected to disrupt RNA splicing. Variants that disrupt the donor or acceptor splice site typically lead to a loss of protein function (PMID: 16199547), and loss-of-function variants in ANOS1 are known to be pathogenic (PMID: 8504298, 11297579). This variant is not present in population databases (gnomAD no frequency). Disruption of this splice site has been observed in individuals with clinical features of Kallmann syndrome (PMID: 36039580, 36859276; internal data). ClinVar contains an entry for this variant (Variation ID: 1341676). Algorithms developed to predict the effect of sequence changes on RNA splicing suggest that this variant may disrupt the consensus splice site. For these reasons, this variant has been classified as Pathogenic.

GeneDx
Classification: Likely pathogenic. Last evaluated: 2025-09-05. Review status: criteria provided, single submitter. Criteria: GeneDx Variant Classification Process June 2021. Collection method: clinical testing. Allele origin: germline. Affected: yes.
Comment: Canonical splice site variant predicted to result in a null allele in a gene for which loss of function is a known mechanism of disease; Not observed at significant frequency in large population cohorts (gnomAD); This variant is associated with the following publications: (PMID: 36039580)

Department of Surgery, The First Affiliated Hospital of Zhengzhou University
Classification: Likely pathogenic for Hypogonadotropic hypogonadism 1 with or without anosmia. Last evaluated: 2022-02-14. Review status: no assertion criteria provided. Collection method: research. Allele origin: inherited. Affected: yes. Not counted in ClinVar's aggregate classification.

Literature cited by the submitters: PubMed 16199547 (cited by Labcorp Genetics (formerly Invitae), Labcorp); PubMed 8504298 (cited by Labcorp Genetics (formerly Invitae), Labcorp); PubMed 11297579 (cited by Labcorp Genetics (formerly Invitae), Labcorp); PubMed 36039580 (cited by Labcorp Genetics (formerly Invitae), Labcorp); PubMed 36859276 (cited by Labcorp Genetics (formerly Invitae), Labcorp).

NM_000216.4(ANOS1):c.1063-1G>C

Gene: ANOS1 (anosmin 1; minus strand). Cytogenetic location: Xp22.31.
Variant type: single nucleotide variant.
Coding change: c.1063-1G>C on transcript NM_000216.4 (MANE Select); the canonical splice acceptor site of the intron before coding-DNA position 1063, G replaced by C.
Molecular consequence: splice acceptor variant.
Genome position (GRCh38, 1-based): chrX:8,568,377, C>G on the plus strand (G>C on the coding strand, the complement: ANOS1 is on the minus strand). VCF-style: chrX-8568377-C-G. GRCh37 (hg19) VCF-style: chrX-8536418-C-G.
Identifiers: ClinVar variation 1341676 (VCV001341676.5), dbSNP rs2146805381, ClinGen allele CA411995174.